The following is an entry in ClinVar:

ClinVar aggregate classification (germline): Pathogenic (1 of 4 stars; one submission).

Conditions:
Niemann-Pick disease, type C1. Also called: NEUROVISCERAL STORAGE DISEASE WITH VERTICAL SUPRANUCLEAR OPHTHALMOPLEGIA; NIEMANN-PICK DISEASE WITH CHOLESTEROL ESTERIFICATION BLOCK; NIEMANN-PICK DISEASE WITHOUT SPHINGOMYELINASE DEFICIENCY; NIEMANN-PICK DISEASE, CHRONIC NEURONOPATHIC FORM; NIEMANN-PICK DISEASE, VARIANT TYPE C1. Identifiers: Orphanet 646, MedGen C3179455, MONDO:0009757, OMIM 257220.

Submission:

Myriad Genetics, Inc.
Classification: Pathogenic for Niemann-Pick disease, type C1. Last evaluated: 2024-08-09. Review status: criteria provided, single submitter. Criteria: Myriad Autosomal Dominant, Autosomal Recessive and X-Linked Classification Criteria (2023). Collection method: clinical testing. Allele origin: unknown.
Comment: NM_000271.4(NPC1):c.2069_2072dupTCCC(F692Pfs*23) is expected to be pathogenic in the context of Niemann-Pick disease type C1. This variant is predicted to lead to an abnormal or absent protein product due to the creation of a premature termination codon in NPC1, a gene where loss-of-function variants are known to be pathogenic. Please note: this variant was assessed in the context of healthy population screening.

NM_000271.5(NPC1):c.2069_2072dup (p.Phe692fs)

Gene: NPC1 (NPC intracellular cholesterol transporter 1; minus strand). Cytogenetic location: 18q11.2.
Variant type: Duplication.
Coding change: c.2069_2072dup on transcript NM_000271.5 (MANE Select); coding-DNA positions 2069 to 2072, 4 bases duplicated (TCCC; older notation c.2069_2072dupTCCC).
Protein change: p.Phe692fs; shifts the reading frame from phenylalanine 692.
Molecular consequence: frameshift variant.
Genome position (GRCh38, 1-based): chr18:23,544,402-23,544,405, GGGA duplicated on the plus strand (TCCC on the coding strand, the reverse complement: NPC1 is on the minus strand). VCF-style (leftmost placement, unchanged base first): chr18-23544401-C-CGGGA. GRCh37 (hg19) VCF-style: chr18-21124365-C-CGGGA.
Other names: short protein forms F692fs.
Identifiers: ClinVar variation 5013723 (VCV005013723.1).
Genomic context (GRCh38, chr18:23,544,401, plus strand): 5'-TACCTGGTAGGCCTGCACCAGAATGAAGATGTTGTCCACTCCAACAGCCAGCACCAGGAA[C>CGGGA]GGGATGACTTCAATCACAATGAGGGTCAAGGGCAACCCAATGTAGCTGAAGACACCCAAG-3'